The following is an entry in ClinVar:

ClinVar aggregate classification (germline): Conflicting classifications of pathogenicity. Review status: criteria provided, conflicting classifications (1 of 4 stars). 3 submissions from 3 submitters: Uncertain significance (1); Benign (1); Likely benign (1). Last evaluated 2025-12-27.

Conditions:
Atypical hemolytic-uremic syndrome with B factor anomaly. Also called: HEMOLYTIC UREMIC SYNDROME, ATYPICAL, SUSCEPTIBILITY TO, 4; AHUS, SUSCEPTIBILITY TO, 4. Identifiers: Orphanet 2134, MedGen C2752038, MONDO:0013042, OMIM 612924.
Complement factor b deficiency. Identifiers: MedGen C3809950, MONDO:0014255, OMIM 615561.
Age related macular degeneration 14. Also called: MACULAR DEGENERATION, AGE-RELATED, 14, REDUCED RISK OF. Identifiers: MedGen C3809653, MONDO:0014207, OMIM 615489.

Allele frequency attached by ClinVar (database versions not stated): gnomAD exomes 0.00003 and 0.00012; ExAC 0.00016; gnomAD 0.00048 and 0.00049; TOPMed 0.00053; 1000 Genomes Project 30x 0.00125; 1000 Genomes Project 0.00160.
gnomAD v4.1: 116 of 1,612,892 alleles (0.0072%); highest among the groups gnomAD compares: African/African-American, 0.15%; no homozygotes.

Submissions (3):

Labcorp Genetics (formerly Invitae), Labcorp
Classification: Benign. Last evaluated: 2025-12-27. Review status: criteria provided, single submitter. Criteria: Invitae Variant Classification Sherloc (09022015). Collection method: clinical testing. Allele origin: germline.

Women's Health and Genetics/Laboratory Corporation of America, LabCorp
Classification: Likely benign. Last evaluated: 2025-04-30. Review status: criteria provided, single submitter. Criteria: LabCorp Variant Classification Summary - May 2015. Collection method: clinical testing. Allele origin: germline.
Comment: Variant summary: CFB c.658+7T>C alters a non-conserved nucleotide located at a position not widely known to affect splicing. Consensus agreement among computation tools predict no significant impact on normal splicing. However, these predictions have yet to be confirmed by functional studies. The variant allele was found at a frequency of 0.00012 in 246164 control chromosomes (gnomAD). This frequency is not significantly higher than estimated for a pathogenic variant in CFB causing age-related macular degeneration, allowing no conclusion about variant significance. To our knowledge, no occurrence of c.658+7T>C in individuals affected with age-related macular degeneration and no experimental evidence demonstrating its impact on protein function have been reported. ClinVar contains an entry for this variant (Variation ID: 992561). Based on the evidence outlined above, the variant was classified as likely benign.

Center for Genomics, Ann and Robert H. Lurie Children's Hospital of Chicago
Classification: Uncertain significance for Complement factor b deficiency; Atypical hemolytic-uremic syndrome with B factor anomaly; Age related macular degeneration 14. Review status: criteria provided, single submitter. Criteria: ACMG Guidelines, 2015. Collection method: clinical testing. Allele origin: germline.
Comment: CFB NM_001710.5 exon 4 c.658+7T>C: This variant has not been reported in the literature but is present in 0.1% (40/23766) of African alleles in the Genome Aggregation Database. Evolutionary conservation and computational predictive tools for this variant are limited or unavailable. Although this variant occurs in the splice region, computational prediction tools do not suggest that it alters splicing. However, further studies are needed to understand its impact. In summary, data on this variant is insufficient for disease classification. Therefore, the clinical significance of this variant is uncertain.

NM_001710.6(CFB):c.658+7T>C

Gene: CFB (complement factor B; plus strand). Cytogenetic location: 6p21.33.
Variant type: single nucleotide variant.
Coding change: c.658+7T>C on transcript NM_001710.6 (MANE Select); 7 bases into the intron after coding-DNA position 658, T replaced by C.
Molecular consequence: intron variant.
Genome position (GRCh38, 1-based): chr6:31,947,528, T>C. VCF-style: chr6-31947528-T-C. GRCh37 (hg19) VCF-style: chr6-31915305-T-C.
Identifiers: ClinVar variation 992561 (VCV000992561.12), dbSNP rs541260302, ClinGen allele CA3728094.